The following is an entry in ClinVar:

ClinVar aggregate classification (germline): Uncertain significance (1 of 4 stars; one submission).

Conditions:
Evans syndrome, immunodeficiency, and premature immunosenescence associated with tripeptidyl-peptidase II deficiency. Identifiers: MedGen CN231723. Disease mechanism: loss of function.

Submission:

Labcorp Genetics (formerly Invitae), Labcorp
Classification: Uncertain significance for Evans syndrome, immunodeficiency, and premature immunosenescence associated with tripeptidyl-peptidase II deficiency. Last evaluated: 2024-06-26. Review status: criteria provided, single submitter. Criteria: Invitae Variant Classification Sherloc (09022015). Collection method: clinical testing. Allele origin: germline.
Comment: This sequence change replaces isoleucine, which is neutral and non-polar, with threonine, which is neutral and polar, at codon 746 of the TPP2 protein (p.Ile746Thr). This variant is not present in population databases (gnomAD no frequency). This variant has not been reported in the literature in individuals affected with TPP2-related conditions. An algorithm developed to predict the effect of missense changes on protein structure and function (PolyPhen-2) suggests that this variant is likely to be tolerated. In summary, the available evidence is currently insufficient to determine the role of this variant in disease. Therefore, it has been classified as a Variant of Uncertain Significance.

NM_001330588.2(TPP2):c.2237T>C (p.Ile746Thr)

Gene: TPP2 (tripeptidyl peptidase 2; plus strand). Cytogenetic location: 13q33.1.
Variant type: single nucleotide variant.
Coding change: c.2237T>C on transcript NM_001330588.2 (MANE Select); coding-DNA position 2237, T replaced by C.
Protein change: p.Ile746Thr; replaces isoleucine 746 with threonine.
Molecular consequence: missense variant. On other transcripts: non-coding transcript variant (1).
Genome position (GRCh38, 1-based): chr13:102,644,618, T>C. VCF-style: chr13-102644618-T-C. GRCh37 (hg19) VCF-style: chr13-103296968-T-C.
Other names: c.2237T>C, p.Ile746Thr (NM_001367947.1, NM_003291.4); short protein forms I746T.
Identifiers: ClinVar variation 3630887 (VCV003630887.2).